The following is an entry in ClinVar:

NM_001081.4(CUBN):c.2139G>A (p.Thr713=)

Gene: CUBN (cubilin; minus strand). Cytogenetic location: 10p13.
Variant type: single nucleotide variant.
Coding change: c.2139G>A on transcript NM_001081.4 (MANE Select); coding-DNA position 2139, G replaced by A.
Protein change: p.Thr713=; no amino-acid change (threonine 713 retained).
Molecular consequence: synonymous variant.
Genome position (GRCh38, 1-based): chr10:17,084,433, C>T on the plus strand (G>A on the coding strand, the complement: CUBN is on the minus strand). VCF-style: chr10-17084433-C-T. GRCh37 (hg19) VCF-style: chr10-17126432-C-T.
Identifiers: ClinVar variation 2103164 (VCV002103164.6), dbSNP rs112672544, ClinGen allele CA5425069.

ClinVar aggregate classification (germline): Likely benign. Review status: criteria provided, single submitter (1 of 4 stars). 2 submissions from 2 submitters: Likely benign (1). 1 of the submissions does not count toward it. Last evaluated 2025-06-12.

Conditions:
Imerslund-Grasbeck syndrome. Also called: ENTEROCYTE COBALAMIN MALABSORPTION; ENTEROCYTE INTRINSIC FACTOR RECEPTOR, DEFECT OF; Megaloblastic anemia due to inborn errors of metabolism; Imerslund-Gräsbeck syndrome; PERNICIOUS ANEMIA, JUVENILE, DUE TO SELECTIVE INTESTINAL MALABSORPTION OF VITAMIN B12, WITH PROTEINURIA. Identifiers: Orphanet 35858, MedGen C4551825, MONDO:0009853.
CUBN-related disorder. Also called: CUBN-related condition.

Allele frequency attached by ClinVar (database versions not stated): ExAC 0.00003; 1000 Genomes Project 0.00040; TOPMed 0.00006; gnomAD 0.00009; ESP Exome Variant Server 0.00023; 1000 Genomes Project 30x 0.00031; gnomAD exomes 0.00001.
gnomAD v4.1: 49 of 1,613,640 alleles (0.003%); highest among the groups gnomAD compares: African/African-American, 0.027%; no homozygotes.

Submissions (2):

Labcorp Genetics (formerly Invitae), Labcorp
Classification: Likely benign for Imerslund-Grasbeck syndrome. Last evaluated: 2025-06-12. Review status: criteria provided, single submitter. Criteria: Invitae Variant Classification Sherloc (09022015). Collection method: clinical testing. Allele origin: germline.

PreventionGenetics, part of Exact Sciences
Classification: Likely benign for CUBN-related condition. Last evaluated: 2023-11-30. Review status: no assertion criteria provided. Collection method: clinical testing. Allele origin: germline. Not counted in ClinVar's aggregate classification.
Comment: This variant is classified as likely benign based on ACMG/AMP sequence variant interpretation guidelines (Richards et al. 2015 PMID: 25741868, with internal and published modifications).